The following is an entry in ClinVar:

ClinVar aggregate classification (germline): Uncertain significance. Review status: criteria provided, multiple submitters, no conflicts (2 of 4 stars). 6 submissions from 5 submitters: Uncertain significance (6). Last evaluated 2026-02-04.

Conditions:
Autoimmune lymphoproliferative syndrome type 2B. Also called: AUTOIMMUNE LYMPHOPROLIFERATIVE SYNDROME, TYPE IIB. Identifiers: Orphanet 275517, MedGen C1846545, MONDO:0011804, OMIM 607271.
Familial cancer of breast. Also called: Hereditary breast cancer; BREAST CANCER, FAMILIAL; hereditary breast carcinoma. Identifiers: Orphanet 227535, MedGen C0346153, MONDO:0016419, OMIM 114480. Disease mechanism: loss of function.
Hepatocellular carcinoma (HCC). Also called: Primary carcinoma of liver; HEPATOMA; LIVER CELL CARCINOMA. Identifiers: Orphanet 88673, MedGen C2239176, MONDO:0007256, OMIM 114550, HP:0001402.
Lung cancer. Also called: Malignant tumor of lung; Lung cancer, somatic. Identifiers: MedGen C0242379, MONDO:0008903, OMIM 211980.
Inborn genetic diseases. Identifiers: MedGen C0950123, MeSH D030342.

Allele frequency attached by ClinVar (database versions not stated): gnomAD 0.00006; TOPMed 0.00010.
gnomAD v4.1: 62 of 1,614,062 alleles (0.0038%); highest among the groups gnomAD compares: Admixed American, 0.1%; 1 homozygote.

Submissions (6):

Women's Health and Genetics/Laboratory Corporation of America, LabCorp
Classification: Uncertain significance. Last evaluated: 2026-02-04. Review status: criteria provided, single submitter. Criteria: LabCorp Variant Classification Summary - May 2015. Collection method: clinical testing. Allele origin: germline.
Comment: Variant summary: CASP8 c.159G>A (p.Met53Ile) results in a conservative amino acid change in the encoded protein sequence. Algorithms developed to predict the effect of missense changes on protein structure and function are either unavailable or do not agree on the potential impact of this missense change. The variant allele was found at a frequency of 0.00015 in 251366 control chromosomes in the gnomAD database, including 1 homozygotes. This frequency is not significantly higher than estimated for disease-causing variants in CASP8, allowing no conclusion about variant significance. To our knowledge, no occurrence of c.159G>A in individuals affected with CASP8-related conditions and no experimental evidence demonstrating its impact on protein function have been reported. ClinVar contains an entry for this variant (Variation ID: 625904). Based on the evidence outlined above, the variant was classified as uncertain significance.

Ambry Genetics
Classification: Uncertain significance for Inborn genetic diseases. Last evaluated: 2024-11-14. Review status: criteria provided, single submitter. Criteria: Ambry Variant Classification Scheme 2023. Collection method: clinical testing. Allele origin: germline.

Labcorp Genetics (formerly Invitae), Labcorp
Classification: Uncertain significance for Autoimmune lymphoproliferative syndrome type 2B. Last evaluated: 2024-09-11. Review status: criteria provided, single submitter. Criteria: Invitae Variant Classification Sherloc (09022015). Collection method: clinical testing. Allele origin: germline.
Comment: This sequence change replaces methionine, which is neutral and non-polar, with isoleucine, which is neutral and non-polar, at codon 53 of the CASP8 protein (p.Met53Ile). This variant is present in population databases (rs200261147, gnomAD 0.1%). This variant has not been reported in the literature in individuals affected with CASP8-related conditions. ClinVar contains an entry for this variant (Variation ID: 625904). Invitae Evidence Modeling of protein sequence and biophysical properties (such as structural, functional, and spatial information, amino acid conservation, physicochemical variation, residue mobility, and thermodynamic stability) indicates that this missense variant is not expected to disrupt CASP8 protein function with a negative predictive value of 80%. In summary, the available evidence is currently insufficient to determine the role of this variant in disease. Therefore, it has been classified as a Variant of Uncertain Significance.

Fulgent Genetics
Classification: Uncertain significance for Familial cancer of breast; Hepatocellular carcinoma; Lung cancer; Autoimmune lymphoproliferative syndrome type 2B. Last evaluated: 2024-06-16. Review status: criteria provided, single submitter. Criteria: ACMG Guidelines, 2015. Collection method: clinical testing. Allele origin: germline.

Center for Genomics, Ann and Robert H. Lurie Children's Hospital of Chicago
Classification: Uncertain significance for Autoimmune lymphoproliferative syndrome type 2B. Last evaluated: 2018-11-09. Review status: criteria provided, single submitter. Criteria: ACMG Guidelines, 2015. Collection method: clinical testing. Allele origin: germline.
Comment: CASP8 NM_001228.4 exon 3 p.Met53Ile (c.159G>A): This variant has not been reported in the literature and is present in 0.1% (36/34588) of Latino alleles in the Genome Aggregation Database, including 1 homozygote. This variant is present in ClinVar (Variation ID:533728). Evolutionary conservation and computational predictive tools suggest that this variant may not impact the protein. In summary, data on this variant is insufficient for disease classification. Therefore, the clinical significance of this variant is uncertain.

Center for Genomics, Ann and Robert H. Lurie Children's Hospital of Chicago
Classification: Uncertain significance for Familial cancer of breast; Autoimmune lymphoproliferative syndrome type 2B; Hepatocellular carcinoma; Lung cancer. Review status: criteria provided, single submitter. Criteria: ACMG Guidelines, 2015. Collection method: clinical testing. Allele origin: germline.
Comment: the same text as in the submission from Center for Genomics, Ann and Robert H. Lurie Children's Hospital of Chicago above.

NM_001372051.1(CASP8):c.159G>A (p.Met53Ile)

Gene: CASP8 (caspase 8; plus strand). Cytogenetic location: 2q33.1.
Variant type: single nucleotide variant.
Coding change: c.159G>A on transcript NM_001372051.1 (MANE Select); coding-DNA position 159, G replaced by A.
Protein change: p.Met53Ile; replaces methionine 53 with isoleucine.
Molecular consequence: missense variant. On other transcripts: non-coding transcript variant (22), intron variant (3), 5 prime UTR variant (9).
Genome position (GRCh38, 1-based): chr2:201,266,645, G>A. VCF-style: chr2-201266645-G-A. GRCh37 (hg19) VCF-style: chr2-202131368-G-A.
Other names: c.-4-4871G>A (NM_001400669.1); c.-227-4871G>A (NM_001400672.1, NM_001400675.1); c.159G>A, p.Met53Ile (NM_033355.4, NM_033356.4, NM_001080124.2 and 21 more transcripts); c.336G>A, p.Met112Ile (NM_001080125.2, NM_001400642.1, NM_001400665.1); c.-374G>A (NM_001400671.1, NM_001400673.1, NM_001400676.1 and 4 more transcripts); c.-555G>A (NM_001400674.1); c.-453G>A (NM_001400680.1); short protein forms M53I, M112I.
Identifiers: ClinVar variation 625904 (VCV000625904.11), dbSNP rs200261147, ClinGen allele CA2053453.